The following is an entry in ClinVar:

NM_015338.6(ASXL1):c.2458G>C (p.Asp820His)

Gene: ASXL1 (ASXL transcriptional regulator 1; plus strand). Cytogenetic location: 20q11.21.
Variant type: single nucleotide variant.
Coding change: c.2458G>C on transcript NM_015338.6 (MANE Select); coding-DNA position 2458, G replaced by C.
Protein change: p.Asp820His; replaces aspartic acid 820 with histidine.
Molecular consequence: missense variant.
Genome position (GRCh38, 1-based): chr20:32,435,170, G>C. VCF-style: chr20-32435170-G-C. GRCh37 (hg19) VCF-style: chr20-31022973-G-C.
Other names: c.2275G>C, p.Asp759His (NM_001363734.1); short protein forms D820H, D759H.
Identifiers: ClinVar variation 3956974 (VCV003956974.1).

ClinVar aggregate classification (germline): Uncertain significance (1 of 4 stars; one submission).

Conditions:
Inborn genetic diseases. Identifiers: MedGen C0950123, MeSH D030342.

Submission:

Ambry Genetics
Classification: Uncertain significance for Inborn genetic diseases. Last evaluated: 2025-05-16. Review status: criteria provided, single submitter. Criteria: Ambry Variant Classification Scheme 2023. Collection method: clinical testing. Allele origin: germline.
Comment: The p.D820H variant (also known as c.2458G>C), located in coding exon 13 of the ASXL1 gene, results from a G to C substitution at nucleotide position 2458. The aspartic acid at codon 820 is replaced by histidine, an amino acid with similar properties. This amino acid position is conserved. In addition, this alteration is predicted to be tolerated by in silico analysis. Based on the available evidence, the clinical significance of this variant remains unclear.